The following is an entry in ClinVar:

ClinVar aggregate classification (germline): Uncertain significance (1 of 4 stars; one submission).

gnomAD v4.1: 1 of 1,614,076 alleles (0.000062%); highest among the groups gnomAD compares: Non-Finnish European, 0.000085%; no homozygotes.

Submission:

Labcorp Genetics (formerly Invitae), Labcorp
Classification: Uncertain significance. Last evaluated: 2024-11-19. Review status: criteria provided, single submitter. Criteria: Invitae Variant Classification Sherloc (09022015). Collection method: clinical testing. Allele origin: germline.
Comment: This sequence change replaces glutamine, which is neutral and polar, with histidine, which is basic and polar, at codon 236 of the TNFRSF9 protein (p.Gln236His). This variant is present in population databases (rs751542955, gnomAD 0.0009%). This variant has not been reported in the literature in individuals affected with TNFRSF9-related conditions. An algorithm developed to predict the effect of missense changes on protein structure and function (PolyPhen-2) suggests that this variant is likely to be disruptive. In summary, the available evidence is currently insufficient to determine the role of this variant in disease. Therefore, it has been classified as a Variant of Uncertain Significance.

NM_001561.6(TNFRSF9):c.708A>C (p.Gln236His)

Gene: TNFRSF9 (TNF receptor superfamily member 9; minus strand). Cytogenetic location: 1p36.23.
Variant type: single nucleotide variant.
Coding change: c.708A>C on transcript NM_001561.6 (MANE Select); coding-DNA position 708, A replaced by C.
Protein change: p.Gln236His; replaces glutamine 236 with histidine.
Molecular consequence: missense variant.
Genome position (GRCh38, 1-based): chr1:7,920,895, T>G on the plus strand (A>C on the coding strand, the complement: TNFRSF9 is on the minus strand). VCF-style: chr1-7920895-T-G. GRCh37 (hg19) VCF-style: chr1-7980955-T-G.
Other names: short protein forms Q236H.
Identifiers: ClinVar variation 3636574 (VCV003636574.2).